The following is an entry in ClinVar:

ClinVar aggregate classification (germline): Uncertain significance (1 of 4 stars; one submission).

Submission:

Labcorp Genetics (formerly Invitae), Labcorp
Classification: Uncertain significance. Last evaluated: 2024-09-11. Review status: criteria provided, single submitter. Criteria: Invitae Variant Classification Sherloc (09022015). Collection method: clinical testing. Allele origin: germline.
Comment: This sequence change replaces glutamine, which is neutral and polar, with glutamic acid, which is acidic and polar, at codon 258 of the USH2A protein (p.Gln258Glu). This variant is not present in population databases (gnomAD no frequency). This variant has not been reported in the literature in individuals affected with USH2A-related conditions. Invitae Evidence Modeling of protein sequence and biophysical properties (such as structural, functional, and spatial information, amino acid conservation, physicochemical variation, residue mobility, and thermodynamic stability) has been performed for this missense variant. However, the output from this modeling did not meet the statistical confidence thresholds required to predict the impact of this variant on USH2A protein function. In summary, the available evidence is currently insufficient to determine the role of this variant in disease. Therefore, it has been classified as a Variant of Uncertain Significance.

NM_206933.4(USH2A):c.772C>G (p.Gln258Glu)

Gene: USH2A (usherin; minus strand). Cytogenetic location: 1q41.
Variant type: single nucleotide variant.
Coding change: c.772C>G on transcript NM_206933.4 (MANE Select); coding-DNA position 772, C replaced by G.
Protein change: p.Gln258Glu; replaces glutamine 258 with glutamic acid.
Molecular consequence: missense variant.
Genome position (GRCh38, 1-based): chr1:216,364,965, G>C on the plus strand (C>G on the coding strand, the complement: USH2A is on the minus strand). VCF-style: chr1-216364965-G-C. GRCh37 (hg19) VCF-style: chr1-216538307-G-C.
Other names: c.772C>G, p.Gln258Glu (NM_007123.6); short protein forms Q258E.
Identifiers: ClinVar variation 3633769 (VCV003633769.2).